The following is an entry in ClinVar:

ClinVar aggregate classification (germline): Uncertain significance (1 of 4 stars; one submission).

Conditions:
Long QT syndrome (LQTS). Identifiers: MedGen C0023976, MeSH D008133, MONDO:0002442. Disease mechanism: loss of function. Inheritance: Various modes of inheritance.

Allele frequency attached by ClinVar (database versions not stated): gnomAD exomes below 0.00001.
gnomAD v4.1: 1 of 1,610,260 alleles (0.000062%); highest among the groups gnomAD compares: Admixed American, 0.0017%; no homozygotes.

Submission:

Labcorp Genetics (formerly Invitae), Labcorp
Classification: Uncertain significance for Long QT syndrome. Last evaluated: 2023-05-23. Review status: criteria provided, single submitter. Criteria: Invitae Variant Classification Sherloc (09022015). Collection method: clinical testing. Allele origin: germline.
Comment: The CACNA1C gene has multiple clinically relevant transcripts. This variant occurs in alternate transcript NM_001129840.1, and corresponds to NM_000719.6:c.2853+158A>G in the primary transcript. This sequence change replaces asparagine, which is neutral and polar, with serine, which is neutral and polar, at codon 935 of the CACNA1C protein (p.Asn935Ser). This variant is present in population databases (no rsID available, gnomAD 0.003%). This variant has not been reported in the literature in individuals affected with CACNA1C-related conditions. ClinVar contains an entry for this variant (Variation ID: 1635495). Experimental studies and prediction algorithms are not available or were not evaluated, and the functional significance of this variant is currently unknown. Algorithms developed to predict the effect of sequence changes on RNA splicing suggest that this variant may disrupt the consensus splice site. In summary, the available evidence is currently insufficient to determine the role of this variant in disease. Therefore, it has been classified as a Variant of Uncertain Significance.

NM_000719.7(CACNA1C):c.2853+158A>G

Gene: CACNA1C (calcium voltage-gated channel subunit alpha1 C; plus strand). Cytogenetic location: 12p13.33.
Variant type: single nucleotide variant.
Coding change: c.2853+158A>G on transcript NM_000719.7 (MANE Select); 158 bases into the intron after coding-DNA position 2853, A replaced by G.
Molecular consequence: intron variant. On other transcripts: missense variant (11).
Genome position (GRCh38, 1-based): chr12:2,597,447, A>G. VCF-style: chr12-2597447-A-G. GRCh37 (hg19) VCF-style: chr12-2706613-A-G.
Other names: c.2864A>G, p.Asn955Ser (NM_001129827.2, NM_001129832.2, NM_199460.4); c.2804A>G, p.Asn935Ser (NM_001129830.3, NM_001129835.2, NM_001129836.2 and 5 more transcripts); c.2853+158A>G (NM_001167624.3, NM_001167623.2, NM_001167625.2 and 7 more transcripts); c.2844+158A>G (NM_001129844.2); short protein forms N935S, N955S.
Identifiers: ClinVar variation 1635495 (VCV001635495.8), dbSNP rs1477159760, ClinGen allele CA383372835.